The following is an entry in ClinVar:

ClinVar aggregate classification (germline): Pathogenic (1 of 4 stars; one submission).

Conditions:
Succinate-semialdehyde dehydrogenase deficiency (SSADHD). Also called: Succinic Semialdehyde Dehydrogenase Deficiency; 4-HYDROXYBUTYRIC ACIDURIA; GABA METABOLIC DEFECT; SSADH DEFICIENCY. Identifiers: Orphanet 22, MedGen C0268631, MONDO:0010083, OMIM 271980.

Submission:

Labcorp Genetics (formerly Invitae), Labcorp
Classification: Pathogenic for Succinate-semialdehyde dehydrogenase deficiency. Last evaluated: 2023-08-03. Review status: criteria provided, single submitter. Criteria: Invitae Variant Classification Sherloc (09022015). Collection method: clinical testing. Allele origin: germline.
Comment: For these reasons, this variant has been classified as Pathogenic. This variant has not been reported in the literature in individuals affected with ALDH5A1-related conditions. This variant is not present in population databases (gnomAD no frequency). This sequence change creates a premature translational stop signal (p.Leu44Argfs*96) in the ALDH5A1 gene. It is expected to result in an absent or disrupted protein product. Loss-of-function variants in ALDH5A1 are known to be pathogenic (PMID: 14635103).

Literature cited by the submitters: PubMed 14635103.

NM_001080.3(ALDH5A1):c.118_130dup (p.Leu44fs)

Genes: ALDH5A1 (aldehyde dehydrogenase 5 family member A1; plus strand), GPLD1 (glycosylphosphatidylinositol specific phospholipase D1; minus strand), LOC129995978 (ATAC-STARR-seq lymphoblastoid silent region 16989; plus strand). Cytogenetic location: 6p22.3.
Variant type: Duplication.
Coding change: c.118_130dup on transcript NM_001080.3 (MANE Select); coding-DNA positions 118 to 130, 13 bases duplicated (GGCCCGGCCCAGC).
Protein change: p.Leu44fs; shifts the reading frame from leucine 44.
Molecular consequence: frameshift variant.
Genome position (GRCh38, 1-based): chr6:24,495,114-24,495,126, GGCCCGGCCCAGC duplicated; duplicating any 13 consecutive bases within chr6:24,495,113-24,495,126 gives the same sequence; the c. name uses the placement nearest the transcript's 3' end. VCF-style (leftmost placement, unchanged base first): chr6-24495112-C-CCGGCCCGGCCCAG. GRCh37 (hg19) VCF-style: chr6-24495340-C-CCGGCCCGGCCCAG.
Other names: c.118_130dup, p.Leu44fs (NM_001368954.1, NM_170740.1); short protein forms L44fs.
Identifiers: ClinVar variation 2996470 (VCV002996470.3), dbSNP rs1481291533, ClinGen allele CA823317749.
Genomic context (GRCh38, chr6:24,495,112, plus strand): 5'-TTCCAGGCTGCCGCCTCCGCCCCCGCGCCGGCGGCCTGGTCCCTGCCTCCGGGCCTGCGC[C>CCGGCCCGGCCCAG]CGGCCCGGCCCAGCTCCGCTGCTACGCTGGGCGCCTGGCGGGCCTCTCTGCGGCGCTGCT-3'